The following is an entry in ClinVar:

ClinVar aggregate classification (germline): Uncertain significance (1 of 4 stars; one submission).

Conditions:
Colorectal cancer, hereditary nonpolyposis, type 7. Identifiers: Orphanet 144, MedGen C1858380, MONDO:0013725, OMIM 614385.

Submission:

Labcorp Genetics (formerly Invitae), Labcorp
Classification: Uncertain significance for Colorectal cancer, hereditary nonpolyposis, type 7. Last evaluated: 2024-03-02. Review status: criteria provided, single submitter. Criteria: Invitae Variant Classification Sherloc (09022015). Collection method: clinical testing. Allele origin: germline.
Comment: This sequence change replaces valine, which is neutral and non-polar, with alanine, which is neutral and non-polar, at codon 1304 of the MLH3 protein (p.Val1304Ala). This variant is not present in population databases (gnomAD no frequency). This variant has not been reported in the literature in individuals affected with MLH3-related conditions. An algorithm developed to predict the effect of missense changes on protein structure and function (PolyPhen-2) suggests that this variant is likely to be disruptive. In summary, the available evidence is currently insufficient to determine the role of this variant in disease. Therefore, it has been classified as a Variant of Uncertain Significance.

NM_001040108.2(MLH3):c.3911T>C (p.Val1304Ala)

Gene: MLH3 (mutL homolog 3; minus strand). Cytogenetic location: 14q24.3.
Variant type: single nucleotide variant.
Coding change: c.3911T>C on transcript NM_001040108.2 (MANE Select); coding-DNA position 3911, T replaced by C.
Protein change: p.Val1304Ala; replaces valine 1304 with alanine.
Molecular consequence: missense variant.
Genome position (GRCh38, 1-based): chr14:75,030,619, A>G on the plus strand (T>C on the coding strand, the complement: MLH3 is on the minus strand). VCF-style: chr14-75030619-A-G. GRCh37 (hg19) VCF-style: chr14-75497322-A-G.
Other names: c.3839T>C, p.Val1280Ala (NM_014381.3); short protein forms V1280A, V1304A.
Identifiers: ClinVar variation 3730253 (VCV003730253.2).